The following is an entry in ClinVar:

ClinVar aggregate classification (germline): Likely pathogenic (1 of 4 stars; one submission).

Submission:

GeneDx
Classification: Likely pathogenic. Last evaluated: 2026-03-25. Review status: criteria provided, single submitter. Criteria: GeneDx Variant Classification Process June 2021. Collection method: clinical testing. Allele origin: germline.
Comment: Has not been previously reported in peer-reviewed literature as pathogenic or benign to our knowledge. Not observed at significant frequency in large population cohorts (gnomAD); Alters the last nucleotide of the exon and is predicted to damage the splice donor site but the effect on protein function is unclear; This variant is associated with the following publications: (PMID: Mazza2026[Abstract])

NM_019108.4(SMG9):c.909G>T (p.Gln303His)

Gene: SMG9 (SMG9 nonsense mediated mRNA decay factor; minus strand). Cytogenetic location: 19q13.31.
Variant type: single nucleotide variant.
Coding change: c.909G>T on transcript NM_019108.4 (MANE Select); coding-DNA position 909, G replaced by T.
Protein change: p.Gln303His; replaces glutamine 303 with histidine.
Molecular consequence: missense variant.
Genome position (GRCh38, 1-based): chr19:43,738,122, C>A on the plus strand (G>T on the coding strand, the complement: SMG9 is on the minus strand). VCF-style: chr19-43738122-C-A. GRCh37 (hg19) VCF-style: chr19-44242274-C-A.
Other names: short protein forms Q303H.
Identifiers: ClinVar variation 4538591 (VCV004538591.2).